The following is an entry in ClinVar:

NM_000051.4(ATM):c.4111del

Gene: ATM (ATM serine/threonine kinase; plus strand). Cytogenetic location: 11q22.3.
Variant type: Deletion.
Coding change: c.4111del on transcript NM_000051.4 (MANE Select); coding-DNA position 4111, one base deleted (G; older notation c.4111delG).
Molecular consequence: splice acceptor variant.
Genome position (GRCh38, 1-based): chr11:108,288,978, G deleted; the last of 3 consecutive G bases (chr11:108,288,976-108,288,978); deleting any one gives the same sequence. VCF-style (leftmost placement, unchanged base first): chr11-108288975-AG-A. GRCh37 (hg19) VCF-style: chr11-108159702-AG-A.
Other names: c.4111delG (NM_000051.4).
Identifiers: ClinVar variation 208636 (VCV000208636.25), dbSNP rs797045114, ClinGen allele CA276028.

ClinVar aggregate classification (germline): Pathogenic/Likely pathogenic. Review status: criteria provided, multiple submitters, no conflicts (2 of 4 stars). 8 submissions from 8 submitters: Pathogenic (7); Likely pathogenic (1). Last evaluated 2026-01-13.

Conditions:
ATM-related disorder. Also called: ATM-related disorders; ATM-related condition.
Hereditary cancer-predisposing syndrome. Also called: Neoplastic Syndromes, Hereditary; Hereditary Cancer Syndrome; Tumor predisposition; Hereditary neoplastic syndrome. Identifiers: Orphanet 140162, MedGen C0027672, MeSH D009386, MONDO:0015356.
Familial cancer of breast. Also called: BREAST CANCER, FAMILIAL; Hereditary breast cancer; hereditary breast carcinoma. Identifiers: Orphanet 227535, MedGen C0346153, MONDO:0016419, OMIM 114480. Disease mechanism: loss of function.
Ataxia-telangiectasia syndrome (AT). Also called: LOUIS-BAR SYNDROME; Cerebello-oculocutaneous telangiectasia; Immunodeficiency with ataxia telangiectasia; AT, COMPLEMENTATION GROUP C; Ataxia telangiectasia (A-T); ATAXIA-TELANGIECTASIA, COMPLEMENTATION GROUP A. Identifiers: Orphanet 100, MedGen C0004135, MONDO:0008840, OMIM 208900.

Submissions (8):

Labcorp Genetics (formerly Invitae), Labcorp
Classification: Pathogenic for Ataxia-telangiectasia syndrome. Last evaluated: 2026-01-13. Review status: criteria provided, single submitter. Criteria: Invitae Variant Classification Sherloc (09022015). Collection method: clinical testing. Allele origin: germline.
Comment: This sequence change creates a premature translational stop signal (p.Asp1371Ilefs*15) in the ATM gene. It is expected to result in an absent or disrupted protein product. Loss-of-function variants in ATM are known to be pathogenic (PMID: 23807571, 25614872). This variant is not present in population databases (gnomAD no frequency). This premature translational stop signal has been observed in individual(s) with breast cancer and ataxia telangiectasia (PMID: 15196260, 17376192, 26296701). In at least one individual the data is consistent with being in trans (on the opposite chromosome) from a pathogenic variant. ClinVar contains an entry for this variant (Variation ID: 208636). Algorithms developed to predict the effect of sequence changes on RNA splicing suggest that this variant may disrupt the consensus splice site. For these reasons, this variant has been classified as Pathogenic.

Center for Genomic Medicine, Rigshospitalet, Copenhagen University Hospital
Classification: Pathogenic. Last evaluated: 2025-12-29. Review status: criteria provided, single submitter. Criteria: ACMG Guidelines, 2015. Collection method: clinical testing. Allele origin: germline.

Ambry Genetics
Classification: Pathogenic for Hereditary cancer-predisposing syndrome. Last evaluated: 2025-05-23. Review status: criteria provided, single submitter. Criteria: Ambry Variant Classification Scheme 2023. Collection method: clinical testing. Allele origin: germline.
Comment: The c.4111delG pathogenic mutation, located in coding exon 27 of the ATM gene, results from a deletion of one nucleotide at nucleotide position 4111, causing a translational frameshift with a predicted alternate stop codon (p.D1371Ifs*15). This mutation, referred to as c.4110delG, was detected in an ataxia telangiectasia (AT) patient in conjunction with a second pathogenic ATM mutation (Riise R, Acta Ophthalmol Scand 2007 Aug; 85(5):557-62). This variant is considered to be rare based on population cohorts in the Genome Aggregation Database (gnomAD). This alteration is expected to result in loss of function by premature protein truncation or nonsense-mediated mRNA decay. As such, this alteration is interpreted as a disease-causing mutation.

Color Diagnostics, LLC DBA Color Health
Classification: Pathogenic for Hereditary cancer-predisposing syndrome. Last evaluated: 2025-02-24. Review status: criteria provided, single submitter. Criteria: ACMG Guidelines, 2015. Collection method: clinical testing. Allele origin: germline.
Comment: This variant deletes 1 nucleotide in exon 28 of the ATM gene, creating a frameshift and premature translation stop signal. This variant is expected to result in an absent or non-functional protein product. This variant (also known as 4110delG in the literature) has been reported in individuals affected with breast cancer and ataxia-telangiectasia (PMID: 15196260, 17376192, 26296701). This variant has not been identified in the general population by the Genome Aggregation Database (gnomAD). Loss of ATM function is a known mechanism of disease. Based on the available evidence, this variant is classified as Pathogenic.

Myriad Genetics, Inc.
Classification: Pathogenic for Familial cancer of breast. Last evaluated: 2024-01-23. Review status: criteria provided, single submitter. Criteria: Myriad Autosomal Dominant, Autosomal Recessive and X-Linked Classification Criteria (2023). Collection method: clinical testing. Allele origin: unknown.
Comment: This variant is considered pathogenic. This variant creates a frameshift predicted to result in premature protein truncation.

PreventionGenetics, part of Exact Sciences
Classification: Pathogenic for ATM-related condition. Last evaluated: 2023-09-23. Review status: criteria provided, single submitter. Criteria: ACMG Guidelines, 2015. Collection method: clinical testing. Allele origin: germline.
Comment: The ATM c.4111delG variant is predicted to result in a frameshift and premature protein termination (p.Asp1371Ilefs*15). This variant was reported in individuals with ataxia telangiectasia (see for example at Riise et al. 2007. PubMed ID: 17376192; Cheng et al. 2023. PubMed ID: 36623239, Table A2). This variant has not been reported in a large population database, indicating this variant is rare. Frameshift variants in ATM are expected to be pathogenic. This variant is interpreted as pathogenic.

Baylor Genetics
Classification: Pathogenic for Familial cancer of breast. Last evaluated: 2023-01-04. Review status: criteria provided, single submitter. Criteria: ACMG Guidelines, 2015. Collection method: clinical testing. Allele origin: unknown.

Center for Individualized Medicine, Mayo Clinic
Classification: Likely pathogenic for Ataxia-telangiectasia syndrome. Last evaluated: 2014-01-01. Review status: criteria provided, single submitter. Criteria: ACMG Guidelines, 2007. Collection method: research. Allele origin: germline. Affected: no. Study: Breast Cancer Genome Guided Therapy Study (BEAUTY).

Literature cited by the submitters: PubMed 23807571 (cited by Labcorp Genetics (formerly Invitae), Labcorp); PubMed 25614872 (cited by Labcorp Genetics (formerly Invitae), Labcorp); PubMed 15196260 (cited by Labcorp Genetics (formerly Invitae), Labcorp and Color Diagnostics, LLC DBA Color Health); PubMed 17376192 (cited by 5 submitters); PubMed 26296701 (cited by 3 submitters).